The following is an entry in ClinVar:

NM_183050.4(BCKDHB):c.818C>T (p.Thr273Ile)

Gene: BCKDHB (branched chain keto acid dehydrogenase E1 subunit beta; plus strand). Cytogenetic location: 6q14.1.
Variant type: single nucleotide variant.
Coding change: c.818C>T on transcript NM_183050.4 (MANE Select); coding-DNA position 818, C replaced by T.
Protein change: p.Thr273Ile; replaces threonine 273 with isoleucine.
Molecular consequence: missense variant. On other transcripts: non-coding transcript variant (6).
Genome position (GRCh38, 1-based): chr6:80,201,009, C>T. VCF-style: chr6-80201009-C-T. GRCh37 (hg19) VCF-style: chr6-80910726-C-T.
Other names: c.818C>T, p.Thr273Ile (NM_000056.5, NM_001424035.1, NM_001424036.1 and 7 more transcripts); c.608C>T, p.Thr203Ile (NM_001318975.1, NM_001424043.1); c.818C>T (NM_183050.3); short protein forms T203I, T273I.
Identifiers: ClinVar variation 2680128 (VCV002680128.9), dbSNP rs769886312, ClinGen allele CA3902766.

ClinVar aggregate classification (germline): Pathogenic/Likely pathogenic. Review status: criteria provided, multiple submitters, no conflicts (2 of 4 stars). 6 submissions from 6 submitters: Pathogenic (2); Likely pathogenic (4). Last evaluated 2025-05-22.

Conditions:
Maple syrup urine disease (MSUD). Identifiers: Orphanet 511, MedGen C0024776, MeSH D008375, MONDO:0009563. Disease mechanism: loss of function.
BCKDHB-related disorder. Also called: BCKDHB-related condition.
Maple syrup urine disease type 1B (MSUD1B). Also called: MSUD type IB; MSUD type 3 (formerly); MSUD due to deficiency of e1-beta subunit of branched-chain alpha-keto acid dehydrogenase complex. Identifiers: MedGen C2930990, MONDO:0023692, OMIM 620698.

Allele frequency attached by ClinVar (database versions not stated): TOPMed below 0.00001.
gnomAD v4.1: 3 of 1,611,982 alleles (0.00019%); highest among the groups gnomAD compares: East Asian, 0.0067%; no homozygotes.

Submissions (6):

Natera, Inc.
Classification: Likely pathogenic for Maple syrup urine disease type 1B. Last evaluated: 2025-05-22. Review status: criteria provided, single submitter. Criteria: Natera Variant Classification Schema (03/2026). Collection method: clinical testing. Allele origin: germline.
Comment: The c.818C>T variant in BCKDHB is a missense variant predicted to cause substitution of threonine to isoleucine at amino acid 273. This variant is rare in the general population with a frequency below the threshold expected for the associated phenotype(s). This variant has been observed in one or more individuals affected with the associated recessive disease, as either homozygous or compound heterozygous with a second variant (PMID: 0228974, 37421976, 36874425). Computational prediction algorithms indicate this variant is likely to affect gene or protein function. Given the available evidence, this variant is classified as Likely Pathogenic.

Blueprint Genetics
Classification: Pathogenic for BCKDHB-related disorders. Last evaluated: 2024-10-23. Review status: criteria provided, single submitter. Criteria: ACMG Guidelines, 2015. Collection method: clinical testing. Allele origin: germline. Affected: yes. Observed: 2 variant alleles.

Fulgent Genetics
Classification: Likely pathogenic for Maple syrup urine disease type 1B. Last evaluated: 2024-01-20. Review status: criteria provided, single submitter. Criteria: ACMG Guidelines, 2015. Collection method: clinical testing. Allele origin: germline.

Baylor Genetics
Classification: Pathogenic for Maple syrup urine disease type 1A. Last evaluated: 2023-10-20. Review status: criteria provided, single submitter. Criteria: ACMG Guidelines, 2015. Collection method: clinical testing. Allele origin: unknown.

Labcorp Genetics (formerly Invitae), Labcorp
Classification: Likely pathogenic for Maple syrup urine disease. Last evaluated: 2023-09-08. Review status: criteria provided, single submitter. Criteria: Invitae Variant Classification Sherloc (09022015). Collection method: clinical testing. Allele origin: germline.
Comment: Advanced modeling of protein sequence and biophysical properties (such as structural, functional, and spatial information, amino acid conservation, physicochemical variation, residue mobility, and thermodynamic stability) performed at Invitae indicates that this missense variant is expected to disrupt BCKDHB protein function. In summary, the currently available evidence indicates that the variant is pathogenic, but additional data are needed to prove that conclusively. Therefore, this variant has been classified as Likely Pathogenic. This missense change has been observed in individual(s) with maple syrup urine disease (PMID: 30228974). In at least one individual the data is consistent with being in trans (on the opposite chromosome) from a pathogenic variant. This variant is present in population databases (rs769886312, gnomAD 0.02%). This sequence change replaces threonine, which is neutral and polar, with isoleucine, which is neutral and non-polar, at codon 273 of the BCKDHB protein (p.Thr273Ile).

Juno Genomics, Hangzhou Juno Genomics, Inc
Classification: Likely pathogenic for Maple syrup urine disease type 1B. Review status: criteria provided, single submitter. Criteria: ACMG Guidelines, 2015. Collection method: clinical testing. Allele origin: germline.
Comment: Absent from controls (or at extremely low frequency if recessive) in Genome Aggregation Database.;Multiple lines of computational evidence support a deleterious effect on the gene or gene product.;For recessive disorders, detected in trans with a pathogenic variant.

Literature cited by the submitters: PubMed 0228974 (cited by Natera, Inc.); PubMed 37421976 (cited by Natera, Inc.); PubMed 36874425 (cited by Natera, Inc.); PubMed 30228974 (cited by Labcorp Genetics (formerly Invitae), Labcorp).